The following is an entry in ClinVar:

NM_005228.5(EGFR):c.1881-860A>G

Gene: EGFR (epidermal growth factor receptor; plus strand). Cytogenetic location: 7p11.2.
Variant type: single nucleotide variant.
Coding change: c.1881-860A>G on transcript NM_005228.5 (MANE Select); 860 bases into the intron before coding-DNA position 1881, A replaced by G.
Molecular consequence: intron variant. On other transcripts: missense variant (1).
Genome position (GRCh38, 1-based): chr7:55,170,315, A>G. VCF-style: chr7-55170315-A-G. GRCh37 (hg19) VCF-style: chr7-55238008-A-G.
Other names: c.1889A>G, p.Asn630Ser (NM_201284.2); c.1746-860A>G (NM_001346899.2, NM_001346897.2); c.1080-860A>G (NM_001346941.2); c.1881-860A>G (NM_001346898.2); c.1722-860A>G (NM_001346900.2); short protein forms N630S.
Identifiers: ClinVar variation 5035765 (VCV005035765.1).

ClinVar aggregate classification (germline): Uncertain significance (1 of 4 stars; one submission).

Conditions:
Hereditary cancer-predisposing syndrome. Also called: Hereditary Cancer Syndrome; Neoplastic Syndromes, Hereditary; Tumor predisposition; Hereditary neoplastic syndrome. Identifiers: Orphanet 140162, MedGen C0027672, MeSH D009386, MONDO:0015356.

gnomAD v4.1: 4 of 1,614,206 alleles (0.00025%); highest among the groups gnomAD compares: South Asian, 0.0022%; no homozygotes.

Submission:

Ambry Genetics
Classification: Uncertain significance for Hereditary cancer-predisposing syndrome. Last evaluated: 2026-07-07. Review status: criteria provided, single submitter. Criteria: Ambry Variant Classification Scheme 2023. Collection method: clinical testing. Allele origin: germline.
Comment: The p.N630S variant (also known as c.1889A>G), located in coding exon 16 of the EGFR gene, results from an A to G substitution at nucleotide position 1889. The asparagine at codon 630 is replaced by serine, an amino acid with highly similar properties. This amino acid position is conserved. In addition, this alteration is predicted to be tolerated by in silico analysis. Based on the available evidence, the clinical significance of this variant remains unclear.